The following is an entry in ClinVar:

NM_001354930.2(RIPK1):c.71A>T (p.Asp24Val)

Gene: RIPK1 (receptor interacting serine/threonine kinase 1; plus strand). Cytogenetic location: 6p25.2.
Variant type: single nucleotide variant.
Coding change: c.71A>T on transcript NM_001354930.2 (MANE Select); coding-DNA position 71, A replaced by T.
Protein change: p.Asp24Val; replaces aspartic acid 24 with valine.
Molecular consequence: missense variant. On other transcripts: 5 prime UTR variant (4).
Genome position (GRCh38, 1-based): chr6:3,076,894, A>T. VCF-style: chr6-3076894-A-T. GRCh37 (hg19) VCF-style: chr6-3077128-A-T.
Other names: c.-533A>T (NM_001317061.3, NM_001354932.2, NM_001354933.2 and 1 more transcripts); c.71A>T, p.Asp24Val (NM_001354931.2, NM_003804.6); short protein forms D24V.
Identifiers: ClinVar variation 3696550 (VCV003696550.2).

ClinVar aggregate classification (germline): Uncertain significance (1 of 4 stars; one submission).

gnomAD v4.1: 4 of 1,611,340 alleles (0.00025%); highest among the groups gnomAD compares: Non-Finnish European, 0.00034%; no homozygotes.

Submission:

Labcorp Genetics (formerly Invitae), Labcorp
Classification: Uncertain significance. Last evaluated: 2025-05-12. Review status: criteria provided, single submitter. Criteria: Invitae Variant Classification Sherloc (09022015). Collection method: clinical testing. Allele origin: germline.
Comment: This sequence change replaces aspartic acid, which is acidic and polar, with valine, which is neutral and non-polar, at codon 24 of the RIPK1 protein (p.Asp24Val). This variant is present in population databases (rs375750553, gnomAD 0.0009%). This variant has not been reported in the literature in individuals affected with RIPK1-related conditions. ClinVar contains an entry for this variant (Variation ID: 3696550). An algorithm developed to predict the effect of missense changes on protein structure and function (PolyPhen-2) suggests that this variant is likely to be disruptive. In summary, the available evidence is currently insufficient to determine the role of this variant in disease. Therefore, it has been classified as a Variant of Uncertain Significance.